The following is an entry in ClinVar:

ClinVar aggregate classification (germline): Uncertain significance (1 of 4 stars; one submission).

Submission:

Women's Health and Genetics/Laboratory Corporation of America, LabCorp
Classification: Uncertain significance. Last evaluated: 2020-10-19. Review status: criteria provided, single submitter. Criteria: LabCorp Variant Classification Summary - May 2015. Collection method: clinical testing. Allele origin: germline.
Comment: Variant summary: SMN1 c.*6A>G is located in the untranslated mRNA region downstream of the termination codon. The variant was absent in 65422 control chromosomes. The available data on variant occurrences in the general population are insufficient to allow any conclusion about variant significance. To our knowledge, no occurrence of c.*6A>G in individuals affected with Spinal Muscular Atrophy and no experimental evidence demonstrating its impact on protein function have been reported. No clinical diagnostic laboratories have submitted clinical-significance assessments for this variant to ClinVar after 2014. Based on the evidence outlined above, the variant was classified as uncertain significance.

NM_000344.4(SMN1):c.*6A>G

Gene: SMN1 (survival of motor neuron 1, telomeric). Cytogenetic location: 5q13.2.
Variant type: single nucleotide variant.
Coding change: c.*6A>G on transcript NM_000344.4 (MANE Select); 6 bases downstream of the stop codon, A replaced by G.
Molecular consequence: 3 prime UTR variant. On other transcripts: synonymous variant (1).
Genome position (GRCh38, 1-based): chr5:70,952,441, A>G. VCF-style: chr5-70952441-A-G. GRCh37 (hg19) VCF-style: chr5-70248268-A-G.
Other names: c.837A>G, p.Glu279= (NM_001297715.1); c.*6A>G (NM_022874.2).
Identifiers: ClinVar variation 984518 (VCV000984518.1), dbSNP rs1749796591, ClinGen allele CA1139658882.